The following is an entry in ClinVar:

ClinVar aggregate classification (germline): Uncertain significance. Review status: criteria provided, multiple submitters, no conflicts (2 of 4 stars). 2 submissions from 2 submitters: Uncertain significance (2). Last evaluated 2025-04-13.

Allele frequency attached by ClinVar (database versions not stated): gnomAD 0.00003; TOPMed 0.00004.
gnomAD v4.1: 54 of 1,614,036 alleles (0.0033%); highest among the groups gnomAD compares: Non-Finnish European, 0.0044%; no homozygotes.

Submissions (2):

GeneDx
Classification: Uncertain significance. Last evaluated: 2025-04-13. Review status: criteria provided, single submitter. Criteria: GeneDx Variant Classification Process June 2021. Collection method: clinical testing. Allele origin: germline. Affected: yes.
Comment: In silico analysis indicates that this missense variant does not alter protein structure/function; Has not been previously published as pathogenic or benign to our knowledge

Labcorp Genetics (formerly Invitae), Labcorp
Classification: Uncertain significance. Last evaluated: 2022-06-29. Review status: criteria provided, single submitter. Criteria: Invitae Variant Classification Sherloc (09022015). Collection method: clinical testing. Allele origin: germline.
Comment: This sequence change replaces alanine, which is neutral and non-polar, with valine, which is neutral and non-polar, at codon 1575 of the NBAS protein (p.Ala1575Val). This variant is present in population databases (rs755706575, gnomAD 0.005%). This variant has not been reported in the literature in individuals affected with NBAS-related conditions. Algorithms developed to predict the effect of missense changes on protein structure and function output the following: SIFT: "Deleterious"; PolyPhen-2: "Possibly Damaging"; Align-GVGD: "Class C55". The valine amino acid residue is found in multiple mammalian species, which suggests that this missense change does not adversely affect protein function. In summary, the available evidence is currently insufficient to determine the role of this variant in disease. Therefore, it has been classified as a Variant of Uncertain Significance.

NM_015909.4(NBAS):c.4724C>T (p.Ala1575Val)

Gene: NBAS (NBAS subunit of NRZ tethering complex; minus strand). Cytogenetic location: 2p24.3.
Variant type: single nucleotide variant.
Coding change: c.4724C>T on transcript NM_015909.4 (MANE Select); coding-DNA position 4724, C replaced by T.
Protein change: p.Ala1575Val; replaces alanine 1575 with valine.
Molecular consequence: missense variant. On other transcripts: non-coding transcript variant (1).
Genome position (GRCh38, 1-based): chr2:15,308,289, G>A on the plus strand (C>T on the coding strand, the complement: NBAS is on the minus strand). VCF-style: chr2-15308289-G-A. GRCh37 (hg19) VCF-style: chr2-15448413-G-A.
Other names: c.4724C>T (NM_015909.3); short protein forms A1575V.
Identifiers: ClinVar variation 2198168 (VCV002198168.2), dbSNP rs755706575, ClinGen allele CA1535531.
Genomic context (GRCh38, chr2:15,308,289, plus strand): 5'-TGGCACTTGTCCCTGAAACATGGGGCCAATCGGGCATAGATCTGGAGGCTATAGTAATAC[G>A]CTGCCAGCTGGAGAGATAATGCAGAGGGGGACTGCTTTTCAAAGCACCGGTTAGCATCTA-3'
Protein context (NP_056993.2, residues 1565-1585): SPSALSLQLA[Ala1575Val]YYYSLQIYAR